The following is an entry in ClinVar:

NM_001134363.3(RBM20):c.3677A>G (p.Lys1226Arg)

Gene: RBM20 (RNA binding motif protein 20; plus strand). Cytogenetic location: 10q25.2.
Variant type: single nucleotide variant.
Coding change: c.3677A>G on transcript NM_001134363.3 (MANE Select); coding-DNA position 3677, A replaced by G.
Protein change: p.Lys1226Arg; replaces lysine 1226 with arginine.
Molecular consequence: missense variant.
Genome position (GRCh38, 1-based): chr10:110,835,971, A>G. VCF-style: chr10-110835971-A-G. GRCh37 (hg19) VCF-style: chr10-112595729-A-G.
Other names: c.3677A>G (LRG_382t1); short protein forms K1226R.
Identifiers: ClinVar variation 391445 (VCV000391445.8), dbSNP rs1057524087, ClinGen allele CA16605986.

ClinVar aggregate classification (germline): Uncertain significance. Review status: criteria provided, multiple submitters, no conflicts (2 of 4 stars). 3 submissions from 3 submitters: Uncertain significance (3). Last evaluated 2025-10-06.

Conditions:
Dilated cardiomyopathy 1DD (CMD1DD). Identifiers: Orphanet 154, MedGen C2750995, MONDO:0013168, OMIM 613172.
Cardiovascular phenotype. Identifiers: MedGen CN230736.

Allele frequency attached by ClinVar (database versions not stated): gnomAD 0.00001; TOPMed 0.00001; gnomAD exomes 0.00003.
gnomAD v4.1: 33 of 1,166,470 alleles (0.0028%); highest among the groups gnomAD compares: Admixed American, 0.0043%; no homozygotes.

Submissions (3):

Labcorp Genetics (formerly Invitae), Labcorp
Classification: Uncertain significance for Dilated cardiomyopathy 1DD. Last evaluated: 2025-10-06. Review status: criteria provided, single submitter. Criteria: Invitae Variant Classification Sherloc (09022015). Collection method: clinical testing. Allele origin: germline.
Comment: This sequence change replaces lysine, which is basic and polar, with arginine, which is basic and polar, at codon 1226 of the RBM20 protein (p.Lys1226Arg). This variant is not present in population databases (gnomAD no frequency). This variant has not been reported in the literature in individuals affected with RBM20-related conditions. ClinVar contains an entry for this variant (Variation ID: 391445). Invitae Evidence Modeling of protein sequence and biophysical properties (such as structural, functional, and spatial information, amino acid conservation, physicochemical variation, residue mobility, and thermodynamic stability) indicates that this missense variant is not expected to disrupt RBM20 protein function with a negative predictive value of 95%. In summary, the available evidence is currently insufficient to determine the role of this variant in disease. Therefore, it has been classified as a Variant of Uncertain Significance.

Ambry Genetics
Classification: Uncertain significance for Cardiovascular phenotype. Last evaluated: 2024-09-03. Review status: criteria provided, single submitter. Criteria: Ambry Variant Classification Scheme 2023. Collection method: clinical testing. Allele origin: germline.

GeneDx
Classification: Uncertain significance. Last evaluated: 2016-12-07. Review status: criteria provided, single submitter. Criteria: GeneDx Variant Classification (06012015). Collection method: clinical testing. Allele origin: germline. Affected: yes.
Comment: A novel variant of uncertain significance has been identified in the RBM20 gene. The K1226R variant has not been published as a pathogenic variant, nor has it been reported as a benign variant to our knowledge. This variant was not observed in approximately 2,300 individuals of European and African American ancestry in the NHLBI Exome Sequencing Project, indicating it is not a common benign variant in these populations. This substitution occurs at a position that is conserved across species. However, Arginine is the wild-type amino acid at this position in at least one species. In addition, the K1226R variant is a conservative amino acid substitution, which is not likely to impact secondary protein structure as these residues share similar properties. Furthermore, in silico analysis is inconsistent in its predictions as to whether or not the variant is damaging to the protein structure/function.Therefore, based on the currently available information, it is unclear whether this variant is pathogenic or benign.